The following is an entry in ClinVar:

NM_001201427.2(DAAM2):c.1799A>G (p.Gln600Arg)

Gene: DAAM2 (dishevelled associated activator of morphogenesis 2; plus strand). Cytogenetic location: 6p21.2.
Variant type: single nucleotide variant.
Coding change: c.1799A>G on transcript NM_001201427.2 (MANE Select); coding-DNA position 1799, A replaced by G.
Protein change: p.Gln600Arg; replaces glutamine 600 with arginine.
Molecular consequence: missense variant.
Genome position (GRCh38, 1-based): chr6:39,879,431, A>G. VCF-style: chr6-39879431-A-G. GRCh37 (hg19) VCF-style: chr6-39847207-A-G.
Other names: c.1799A>G, p.Gln600Arg (NM_015345.4); short protein forms Q600R.
Identifiers: ClinVar variation 3033562 (VCV003033562.2), dbSNP rs139876341, ClinGen allele CA3795047.

ClinVar aggregate classification (germline): Benign (0 of 4 stars; one submission).

Conditions:
DAAM2-related disorder. Also called: DAAM2-related condition.

Allele frequency attached by ClinVar (database versions not stated): ESP Exome Variant Server 0.00008; gnomAD exomes 0.00052; TOPMed 0.00129; gnomAD 0.00153; ExAC 0.00196; 1000 Genomes Project 30x 0.01031; 1000 Genomes Project 0.01058.
gnomAD v4.1: 1,076 of 1,613,448 alleles (0.067%); highest among the groups gnomAD compares: East Asian, 1.7%; 21 homozygotes.

Submission:

PreventionGenetics, part of Exact Sciences
Classification: Benign for DAAM2-related condition. Last evaluated: 2019-06-18. Review status: no assertion criteria provided. Collection method: clinical testing. Allele origin: germline.
Comment: This variant is classified as benign based on ACMG/AMP sequence variant interpretation guidelines (Richards et al. 2015 PMID: 25741868, with internal and published modifications).